The following is an entry in ClinVar:

NM_015559.3(SETBP1):c.827A>G (p.Gln276Arg)

Gene: SETBP1 (SET binding protein 1; plus strand). Cytogenetic location: 18q12.3.
Variant type: single nucleotide variant.
Coding change: c.827A>G on transcript NM_015559.3 (MANE Select); coding-DNA position 827, A replaced by G.
Protein change: p.Gln276Arg; replaces glutamine 276 with arginine.
Molecular consequence: missense variant.
Genome position (GRCh38, 1-based): chr18:44,950,167, A>G. VCF-style: chr18-44950167-A-G. GRCh37 (hg19) VCF-style: chr18-42530132-A-G.
Other names: c.827A>G, p.Gln276Arg (NM_001379141.1, NM_001379142.1); short protein forms Q276R.
Identifiers: ClinVar variation 1326058 (VCV001326058.3), dbSNP rs2071305616, ClinGen allele CA402316922.

ClinVar aggregate classification (germline): Uncertain significance. Review status: criteria provided, multiple submitters, no conflicts (2 of 4 stars). 2 submissions from 2 submitters: Uncertain significance (2). Last evaluated 2026-01-26.

Allele frequency attached by ClinVar (database versions not stated): TOPMed below 0.00001.

Submissions (2):

Labcorp Genetics (formerly Invitae), Labcorp
Classification: Uncertain significance. Last evaluated: 2026-01-26. Review status: criteria provided, single submitter. Criteria: Invitae Variant Classification Sherloc (09022015). Collection method: clinical testing. Allele origin: germline.
Comment: This sequence change replaces glutamine, which is neutral and polar, with arginine, which is basic and polar, at codon 276 of the SETBP1 protein (p.Gln276Arg). This variant is not present in population databases (gnomAD no frequency). This variant has not been reported in the literature in individuals affected with SETBP1-related conditions. ClinVar contains an entry for this variant (Variation ID: 1326058). Invitae Evidence Modeling of protein sequence and biophysical properties (such as structural, functional, and spatial information, amino acid conservation, physicochemical variation, residue mobility, and thermodynamic stability) indicates that this missense variant is not expected to disrupt SETBP1 protein function with a negative predictive value of 80%. In summary, the available evidence is currently insufficient to determine the role of this variant in disease. Therefore, it has been classified as a Variant of Uncertain Significance.

GeneDx
Classification: Uncertain significance. Last evaluated: 2021-11-15. Review status: criteria provided, single submitter. Criteria: GeneDx Variant Classification Process June 2021. Collection method: clinical testing. Allele origin: germline. Affected: yes.
Comment: Not observed in large population cohorts (Lek et al., 2016); In silico analysis supports that this missense variant does not alter protein structure/function; Has not been previously published as pathogenic or benign to our knowledge